The following is an entry in ClinVar:

NM_000465.4(BARD1):c.1654T>C (p.Ser552Pro)

Gene: BARD1 (BRCA1 associated RING domain 1; minus strand). Cytogenetic location: 2q35.
Variant type: single nucleotide variant.
Coding change: c.1654T>C on transcript NM_000465.4 (MANE Select); coding-DNA position 1654, T replaced by C.
Protein change: p.Ser552Pro; replaces serine 552 with proline.
Molecular consequence: missense variant. On other transcripts: non-coding transcript variant (3), intron variant (1).
Genome position (GRCh38, 1-based): chr2:214,752,470, A>G on the plus strand (T>C on the coding strand, the complement: BARD1 is on the minus strand). VCF-style: chr2-214752470-A-G. GRCh37 (hg19) VCF-style: chr2-215617194-A-G.
Other names: c.1597T>C, p.Ser533Pro (NM_001282543.2); c.301T>C, p.Ser101Pro (NM_001282545.2); c.244T>C, p.Ser82Pro (NM_001282548.2); c.365-21962T>C (NM_001282549.2); short protein forms S533P, S101P, S552P, S82P.
Identifiers: ClinVar variation 858886 (VCV000858886.14), dbSNP rs1693500175, ClinGen allele CA350454628.
Genomic context (GRCh38, chr2:214,752,470, plus strand): 5'-AAATATATAAATGTCCCAAAGCTAAATCCATACTTACTACTGAGCAGTGGCTAGCTGAGG[A>G]TGATTCATTCTTCTCTGGTAGCAGCAATAGCGATTTCATACTTTCATCATCTGTATAATC-3'
Protein context (NP_000456.2, residues 542-562): LLLLPEKNES[Ser552Pro]SASHCSVMNT

ClinVar aggregate classification (germline): Uncertain significance. Review status: criteria provided, multiple submitters, no conflicts (2 of 4 stars). 3 submissions from 3 submitters: Uncertain significance (3). Last evaluated 2024-02-12.

Conditions:
Hereditary cancer-predisposing syndrome. Also called: Tumor predisposition; Hereditary neoplastic syndrome; Neoplastic Syndromes, Hereditary; Hereditary Cancer Syndrome. Identifiers: Orphanet 140162, MedGen C0027672, MeSH D009386, MONDO:0015356.
Familial cancer of breast. Also called: hereditary breast carcinoma; BREAST CANCER, FAMILIAL; Hereditary breast cancer. Identifiers: Orphanet 227535, MedGen C0346153, MONDO:0016419, OMIM 114480. Disease mechanism: loss of function.

Allele frequency attached by ClinVar (database versions not stated): gnomAD exomes below 0.00001.
gnomAD v4.1: 1 of 1,613,226 alleles (0.000062%); highest among the groups gnomAD compares: Non-Finnish European, 0.000085%; no homozygotes.

Submissions (3):

Color Diagnostics, LLC DBA Color Health
Classification: Uncertain significance for Hereditary cancer-predisposing syndrome. Last evaluated: 2024-02-12. Review status: criteria provided, single submitter. Criteria: ACMG Guidelines, 2015. Collection method: clinical testing. Allele origin: germline.
Comment: This missense variant replaces serine with proline at codon 552 of the BARD1 protein. Computational prediction suggests that this variant may not impact protein structure and function (internally defined REVEL score threshold <= 0.5, PMID: 27666373). To our knowledge, functional studies have not been reported for this variant. This variant has not been reported in individuals affected with BARD1-related disorders in the literature. This variant has not been identified in the general population by the Genome Aggregation Database (gnomAD). The available evidence is insufficient to determine the role of this variant in disease conclusively. Therefore, this variant is classified as a Variant of Uncertain Significance.

Labcorp Genetics (formerly Invitae), Labcorp
Classification: Uncertain significance for Familial cancer of breast. Last evaluated: 2023-11-06. Review status: criteria provided, single submitter. Criteria: Invitae Variant Classification Sherloc (09022015). Collection method: clinical testing. Allele origin: germline.
Comment: This sequence change replaces serine, which is neutral and polar, with proline, which is neutral and non-polar, at codon 552 of the BARD1 protein (p.Ser552Pro). This variant is not present in population databases (gnomAD no frequency). This variant has not been reported in the literature in individuals affected with BARD1-related conditions. ClinVar contains an entry for this variant (Variation ID: 858886). An algorithm developed to predict the effect of missense changes on protein structure and function (PolyPhen-2) suggests that this variant is likely to be tolerated. In summary, the available evidence is currently insufficient to determine the role of this variant in disease. Therefore, it has been classified as a Variant of Uncertain Significance.

Ambry Genetics
Classification: Uncertain significance for Hereditary cancer-predisposing syndrome. Last evaluated: 2020-12-29. Review status: criteria provided, single submitter. Criteria: Ambry Variant Classification Scheme 2023. Collection method: clinical testing. Allele origin: germline.
Comment: The p.S552P variant (also known as c.1654T>C), located in coding exon 7 of the BARD1 gene, results from a T to C substitution at nucleotide position 1654. The serine at codon 552 is replaced by proline, an amino acid with similar properties. This amino acid position is not well conserved in available vertebrate species. In addition, the in silico prediction for this alteration is inconclusive. Since supporting evidence is limited at this time, the clinical significance of this alteration remains unclear.